The following is an entry in ClinVar:

ClinVar aggregate classification (germline): Conflicting classifications of pathogenicity. Review status: criteria provided, conflicting classifications (1 of 4 stars). 4 submissions from 4 submitters: Uncertain significance (1); Likely benign (3). Last evaluated 2026-04-01.

Conditions:
GNAS-related disorder. Identifiers: MedGen CN380105.

Allele frequency attached by ClinVar (database versions not stated): TOPMed 0.00025; ESP Exome Variant Server 0.00032; gnomAD 0.00030; gnomAD exomes 0.00036; ExAC 0.00108.
gnomAD v4.1: 547 of 1,575,410 alleles (0.035%); highest among the groups gnomAD compares: Non-Finnish European, 0.043%; no homozygotes.

Submissions (4):

CeGaT Center for Human Genetics Tuebingen
Classification: Likely benign. Last evaluated: 2026-04-01. Review status: criteria provided, single submitter. Criteria: CeGaT Center For Human Genetics Tuebingen Variant Classification Criteria Version 2. Collection method: clinical testing. Allele origin: germline. Affected: yes. Observed: 2 variant alleles.
Comment: GNAS: BS2

GeneDx
Classification: Uncertain significance. Last evaluated: 2026-03-28. Review status: criteria provided, single submitter. Criteria: GeneDx Variant Classification Process June 2021. Collection method: clinical testing. Allele origin: germline.
Comment: In silico analysis suggests that this missense variant does not alter protein structure/function; Has not been previously published as pathogenic or benign to our knowledge; Reported using an alternate transcript of the gene

PreventionGenetics, part of Exact Sciences
Classification: Likely benign for GNAS-related condition. Last evaluated: 2025-06-02. Review status: criteria provided, single submitter. Criteria: ACMG Guidelines, 2015. Collection method: clinical testing. Allele origin: germline.
Comment: This variant is classified as likely benign based on ACMG/AMP sequence variant interpretation guidelines (Richards et al. 2015 PMID: 25741868, with internal and published modifications).

Blueprint Genetics
Classification: Likely benign. Last evaluated: 2024-08-27. Review status: criteria provided, single submitter. Criteria: ACMG Guidelines, 2015. Collection method: clinical testing. Allele origin: germline.

NM_080425.4(GNAS):c.1280C>A (p.Ala427Asp)

Gene: GNAS (GNAS complex locus; plus strand). Cytogenetic location: 20q13.32.
Variant type: single nucleotide variant.
Coding change: c.1280C>A on transcript NM_080425.4 (MANE Plus Clinical); coding-DNA position 1280, C replaced by A.
Protein change: p.Ala427Asp; replaces alanine 427 with aspartic acid.
Molecular consequence: missense variant. On other transcripts: intron variant (3).
Genome position (GRCh38, 1-based): chr20:58,854,545, C>A. VCF-style: chr20-58854545-C-A. GRCh37 (hg19) VCF-style: chr20-57429600-C-A.
Other names: c.1093C>A, p.Pro365Thr (NM_001077490.3, NM_001309883.1); c.1280C>A, p.Ala427Asp (NM_001410913.1); c.*42+13659C>A (NM_016592.5); c.43+13659C>A (NM_001410912.1); c.-39+12670C>A (NM_001309861.2); short protein forms A427D, P365T.
Identifiers: ClinVar variation 2632904 (VCV002632904.10), dbSNP rs200566083, ClinGen allele CA9926664.